The following is an entry in ClinVar:

ClinVar aggregate classification (germline): Pathogenic/Likely pathogenic. Review status: criteria provided, multiple submitters, no conflicts (2 of 4 stars). 4 submissions from 4 submitters: Pathogenic (3); Likely pathogenic (1). Last evaluated 2024-01-17.

Conditions:
Juvenile retinoschisis (RS1). Also called: X-linked retinoschisis; X-Linked Juvenile Retinoschisis. Identifiers: Orphanet 792, MedGen C3714753, MONDO:0010725, OMIM 312700.

Allele frequency attached by ClinVar (database versions not stated): gnomAD exomes below 0.00001.
gnomAD v4.1: 1 of 1,211,564 alleles (0.000083%); highest among the groups gnomAD compares: Non-Finnish European, 0.00011%; no homozygotes.

Submissions (4):

Fulgent Genetics
Classification: Likely pathogenic for Juvenile retinoschisis. Last evaluated: 2024-01-17. Review status: criteria provided, single submitter. Criteria: ACMG Guidelines, 2015. Collection method: clinical testing. Allele origin: germline.

Labcorp Genetics (formerly Invitae), Labcorp
Classification: Pathogenic. Last evaluated: 2023-11-20. Review status: criteria provided, single submitter. Criteria: Invitae Variant Classification Sherloc (09022015). Collection method: clinical testing. Allele origin: germline.
Comment: This sequence change replaces glutamine, which is neutral and polar, with arginine, which is basic and polar, at codon 154 of the RS1 protein (p.Gln154Arg). This variant is not present in population databases (gnomAD no frequency). This missense change has been observed in individuals with X-linked juvenile retinoschisis (PMID: 19324861, 21836411, 32124668). ClinVar contains an entry for this variant (Variation ID: 1459515). Advanced modeling of protein sequence and biophysical properties (such as structural, functional, and spatial information, amino acid conservation, physicochemical variation, residue mobility, and thermodynamic stability) performed at Invitae indicates that this missense variant is expected to disrupt RS1 protein function with a positive predictive value of 80%. For these reasons, this variant has been classified as Pathogenic.

Ophthalmic Genetics Group, Institute of Molecular and Clinical Ophthalmology Basel
Classification: Pathogenic for X-linked retinoschisis. Last evaluated: 2023-07-24. Review status: criteria provided, single submitter. Criteria: ACMG Guidelines, 2015. Collection method: research. Allele origin: germline. Affected: yes. Observed: 1 variant allele.
Comment: Clinical significance based on ACMG v2.0

This variant was classified as Pathogenic based on ACMG criteria: PP5, PM2, PM5, PM1, PP3, PP2.

Baylor Genetics
Classification: Pathogenic for Juvenile retinoschisis. Last evaluated: 2022-02-03. Review status: criteria provided, single submitter. Criteria: ACMG Guidelines, 2015. Collection method: clinical testing. Allele origin: unknown.

Literature cited by the submitters: PubMed 19324861 (cited by Labcorp Genetics (formerly Invitae), Labcorp); PubMed 21836411 (cited by Labcorp Genetics (formerly Invitae), Labcorp); PubMed 32124668 (cited by Labcorp Genetics (formerly Invitae), Labcorp); PubMed 36909829 (cited by Ophthalmic Genetics Group, Institute of Molecular and Clinical Ophthalmology Basel).

NM_000330.4(RS1):c.461A>G (p.Gln154Arg)

Genes: CDKL5 (cyclin dependent kinase like 5; plus strand), RS1 (retinoschisin 1; minus strand). Cytogenetic location: Xp22.13.
Variant type: single nucleotide variant.
Coding change: c.461A>G on transcript NM_000330.4 (MANE Select); coding-DNA position 461, A replaced by G.
Protein change: p.Gln154Arg; replaces glutamine 154 with arginine.
Molecular consequence: missense variant. On other transcripts: intron variant (2).
Genome position (GRCh38, 1-based): chrX:18,644,491, T>C on the plus strand (A>G on the coding strand, the complement: RS1 is on the minus strand). VCF-style: chrX-18644491-T-C. GRCh37 (hg19) VCF-style: chrX-18662611-T-C.
Other names: NP_000321.1:p.(Gln154Arg); c.2714-1516T>C (NM_003159.3, NM_001037343.2); short protein forms Q154R.
Identifiers: ClinVar variation 1459515 (VCV001459515.11), dbSNP rs2147191205, ClinGen allele CA412371558.